The following is an entry in ClinVar:

NM_007294.4(BRCA1):c.3199A>G (p.Asn1067Asp)

Gene: BRCA1 (BRCA1 DNA repair associated; minus strand). Cytogenetic location: 17q21.31.
Variant type: single nucleotide variant.
Coding change: c.3199A>G on transcript NM_007294.4 (MANE Select); coding-DNA position 3199, A replaced by G.
Protein change: p.Asn1067Asp; replaces asparagine 1067 with aspartic acid.
Molecular consequence: missense variant. On other transcripts: intron variant (137).
Genome position (GRCh38, 1-based): chr17:43,092,332, T>C on the plus strand (A>G on the coding strand, the complement: BRCA1 is on the minus strand). VCF-style: chr17-43092332-T-C. GRCh37 (hg19) VCF-style: chr17-41244349-T-C.
Other names: c.2986A>G, p.Asn996Asp (NM_001407571.1, NM_001407853.1, NM_001407894.1 and 9 more transcripts); c.3199A>G, p.Asn1067Asp (NM_001407581.1, NM_001407582.1, NM_001407583.1 and 30 more transcripts); c.3196A>G, p.Asn1066Asp (NM_001407587.1, NM_001407590.1, NM_001407591.1 and 22 more transcripts); c.3190A>G, p.Asn1064Asp (NM_001407646.1, NM_001407647.1); c.3076A>G, p.Asn1026Asp (NM_001407648.1, NM_001407664.1, NM_001407665.1 and 19 more transcripts); c.3073A>G, p.Asn1025Asp (NM_001407649.1, NM_001407670.1, NM_001407671.1 and 11 more transcripts); c.3121A>G, p.Asn1041Asp (NM_001407653.1, NM_001407654.1, NM_001407655.1 and 4 more transcripts); c.3118A>G, p.Asn1040Asp (NM_001407659.1, NM_001407660.1, NM_001407661.1 and 1 more transcripts); and 41 more; short protein forms N1000D, N1019D, N1020D, N1025D, N1026D, N1040D, N1041D, N1064D.
Identifiers: ClinVar variation 4687778 (VCV004687778.1).

ClinVar aggregate classification (germline): Uncertain significance (1 of 4 stars; one submission).

Submission:

Women's Health and Genetics/Laboratory Corporation of America, LabCorp
Classification: Uncertain significance. Last evaluated: 2025-10-24. Review status: criteria provided, single submitter. Criteria: LabCorp Variant Classification Summary - May 2015. Collection method: clinical testing. Allele origin: germline.
Comment: Variant summary: BRCA1 c.3199A>G (p.Asn1067Asp) results in a conservative amino acid change in the encoded protein sequence. Algorithms developed to predict the effect of missense changes on protein structure and function all suggest that this variant is likely to be tolerated. The variant was absent in 250450 control chromosomes. The available data on variant occurrences in the general population are insufficient to allow any conclusion about variant significance. To our knowledge, no occurrence of c.3199A>G in individuals affected with BRCA1-related conditions and no experimental evidence demonstrating its impact on protein function have been reported. No submitters have cited clinical-significance assessments for this variant to ClinVar. Based on the evidence outlined above, the variant was classified as uncertain significance.